The following is an entry in ClinVar:

ClinVar aggregate classification (germline): Uncertain significance. Review status: criteria provided, multiple submitters, no conflicts (2 of 4 stars). 3 submissions from 3 submitters: Uncertain significance (3). Last evaluated 2025-07-30.

Conditions:
POLD1-related polyposis and colorectal cancer syndrome (CRCS10). Also called: Colorectal cancer 10; COLORECTAL CANCER, SUSCEPTIBILITY TO, ON CHROMOSOME 19q; Colorectal cancer, susceptibility to, 10. Identifiers: Orphanet 220460, MedGen C2675481, MONDO:0012953, OMIM 612591.
Hereditary cancer-predisposing syndrome. Also called: Tumor predisposition; Hereditary Cancer Syndrome; Hereditary neoplastic syndrome; Neoplastic Syndromes, Hereditary. Identifiers: Orphanet 140162, MedGen C0027672, MeSH D009386, MONDO:0015356.

Allele frequency attached by ClinVar (database versions not stated): gnomAD exomes below 0.00001; gnomAD 0.00001; TOPMed 0.00001.
gnomAD v4.1: 3 of 1,612,840 alleles (0.00019%); highest among the groups gnomAD compares: African/African-American, 0.0027%; no homozygotes.

Submissions (3):

Labcorp Genetics (formerly Invitae), Labcorp
Classification: Uncertain significance for POLD1-related polyposis and colorectal cancer syndrome. Last evaluated: 2025-07-30. Review status: criteria provided, single submitter. Criteria: Invitae Variant Classification Sherloc (09022015). Collection method: clinical testing. Allele origin: germline.
Comment: This sequence change replaces histidine, which is basic and polar, with tyrosine, which is neutral and polar, at codon 863 of the POLD1 protein (p.His863Tyr). This variant is not present in population databases (gnomAD no frequency). This variant has not been reported in the literature in individuals affected with POLD1-related conditions. ClinVar contains an entry for this variant (Variation ID: 972264). Invitae Evidence Modeling of protein sequence and biophysical properties (such as structural, functional, and spatial information, amino acid conservation, physicochemical variation, residue mobility, and thermodynamic stability) indicates that this missense variant is not expected to disrupt POLD1 protein function with a negative predictive value of 80%. In summary, the available evidence is currently insufficient to determine the role of this variant in disease. Therefore, it has been classified as a Variant of Uncertain Significance.

Ambry Genetics
Classification: Uncertain significance for Hereditary cancer-predisposing syndrome. Last evaluated: 2024-12-30. Review status: criteria provided, single submitter. Criteria: Ambry Variant Classification Scheme 2023. Collection method: clinical testing. Allele origin: germline.
Comment: The p.H863Y variant (also known as c.2587C>T), located in coding exon 20 of the POLD1 gene, results from a C to T substitution at nucleotide position 2587. The histidine at codon 863 is replaced by tyrosine, an amino acid with similar properties. This amino acid position is well conserved in available vertebrate species. In addition, this alteration is predicted to be tolerated by in silico analysis. Based on the available evidence, the clinical significance of this variant remains unclear.

GeneDx
Classification: Uncertain significance. Last evaluated: 2022-06-29. Review status: criteria provided, single submitter. Criteria: GeneDx Variant Classification Process June 2021. Collection method: clinical testing. Allele origin: germline. Affected: yes.
Comment: Not observed at significant frequency in large population cohorts (gnomAD); In silico analysis supports that this missense variant does not alter protein structure/function; Has not been previously published as pathogenic or benign to our knowledge

NM_002691.4(POLD1):c.2587C>T (p.His863Tyr)

Gene: POLD1 (DNA polymerase delta 1, catalytic subunit; plus strand). Cytogenetic location: 19q13.33.
Variant type: single nucleotide variant.
Coding change: c.2587C>T on transcript NM_002691.4 (MANE Select); coding-DNA position 2587, C replaced by T.
Protein change: p.His863Tyr; replaces histidine 863 with tyrosine.
Molecular consequence: missense variant. On other transcripts: non-coding transcript variant (1).
Genome position (GRCh38, 1-based): chr19:50,415,460, C>T. VCF-style: chr19-50415460-C-T. GRCh37 (hg19) VCF-style: chr19-50918717-C-T.
Other names: c.2587C>T, p.His863Tyr (NM_001256849.1); c.2665C>T, p.His889Tyr (NM_001308632.1); short protein forms H863Y, H889Y.
Identifiers: ClinVar variation 972264 (VCV000972264.15), dbSNP rs1244565898, ClinGen allele CA406985337.